The following is an entry in ClinVar:

ClinVar aggregate classification (germline): Conflicting classifications of pathogenicity. Review status: criteria provided, conflicting classifications (1 of 4 stars). 2 submissions from 2 submitters: Uncertain significance (1); Likely benign (1). Last evaluated 2025-12-09.

Conditions:
Inborn genetic diseases. Identifiers: MedGen C0950123, MeSH D030342.

Allele frequency attached by ClinVar (database versions not stated): ESP Exome Variant Server 0.00062; gnomAD exomes 0.00004; 1000 Genomes Project 30x 0.00203; gnomAD 0.00052; TOPMed 0.00060; ExAC 0.00019; 1000 Genomes Project 0.00140.
gnomAD v4.1: 143 of 1,614,076 alleles (0.0089%); highest among the groups gnomAD compares: African/African-American, 0.18%; no homozygotes.

Submissions (2):

Ambry Genetics
Classification: Likely benign for Inborn genetic diseases. Last evaluated: 2025-12-09. Review status: criteria provided, single submitter. Criteria: Ambry Variant Classification Scheme 2023. Collection method: clinical testing. Allele origin: germline.

Labcorp Genetics (formerly Invitae), Labcorp
Classification: Uncertain significance. Last evaluated: 2022-03-01. Review status: criteria provided, single submitter. Criteria: Invitae Variant Classification Sherloc (09022015). Collection method: clinical testing. Allele origin: germline.
Comment: In summary, the available evidence is currently insufficient to determine the role of this variant in disease. Therefore, it has been classified as a Variant of Uncertain Significance. Algorithms developed to predict the effect of missense changes on protein structure and function output the following: SIFT: "Deleterious"; PolyPhen-2: "Benign"; Align-GVGD: "Class C0". The valine amino acid residue is found in multiple mammalian species, which suggests that this missense change does not adversely affect protein function. This variant has not been reported in the literature in individuals affected with EPRS-related conditions. This variant is present in population databases (rs35055527, gnomAD 0.2%). This sequence change replaces isoleucine, which is neutral and non-polar, with valine, which is neutral and non-polar, at codon 1481 of the EPRS protein (p.Ile1481Val).

NM_004446.3(EPRS1):c.4441A>G (p.Ile1481Val)

Gene: EPRS1 (glutamyl-prolyl-tRNA synthetase 1; minus strand). Cytogenetic location: 1q41.
Variant type: single nucleotide variant.
Coding change: c.4441A>G on transcript NM_004446.3 (MANE Select); coding-DNA position 4441, A replaced by G.
Protein change: p.Ile1481Val; replaces isoleucine 1481 with valine.
Molecular consequence: missense variant.
Genome position (GRCh38, 1-based): chr1:219,968,904, T>C on the plus strand (A>G on the coding strand, the complement: EPRS1 is on the minus strand). VCF-style: chr1-219968904-T-C. GRCh37 (hg19) VCF-style: chr1-220142246-T-C.
Other names: c.4441A>G (NM_004446.2); short protein forms I1481V.
Identifiers: ClinVar variation 2079387 (VCV002079387.5), dbSNP rs35055527, ClinGen allele CA1399403.